The following is an entry in ClinVar:

NM_198578.4(LRRK2):c.4822G>A (p.Ala1608Thr)

Gene: LRRK2 (leucine rich repeat kinase 2; plus strand). Cytogenetic location: 12q12.
Variant type: single nucleotide variant.
Coding change: c.4822G>A on transcript NM_198578.4 (MANE Select); coding-DNA position 4822, G replaced by A.
Protein change: p.Ala1608Thr; replaces alanine 1608 with threonine.
Molecular consequence: missense variant.
Genome position (GRCh38, 1-based): chr12:40,315,295, G>A. VCF-style: chr12-40315295-G-A. GRCh37 (hg19) VCF-style: chr12-40709097-G-A.
Other names: short protein forms A1608T.
Identifiers: ClinVar variation 3540776 (VCV003540776.1).
Genomic context (GRCh38, chr12:40,315,295, plus strand): 5'-CCAGCACTGCAGTTAAGTGACTTGTACTTTGTGGAACCCAAGTGGCTTTGTAAAATCATG[G>A]CACAGGTTGGTGTCTTTTATTTTTGTGGCACGGGGGTTATGGTCAAAGCATAGAACAGAT-3'
Protein context (NP_940980.4, residues 1598-1618): VEPKWLCKIM[Ala1608Thr]QILTVKVEGC

ClinVar aggregate classification (germline): Uncertain significance (1 of 4 stars; one submission).

Conditions:
Inborn genetic diseases. Identifiers: MedGen C0950123, MeSH D030342.

Submission:

Ambry Genetics
Classification: Uncertain significance for Inborn genetic diseases. Last evaluated: 2024-11-10. Review status: criteria provided, single submitter. Criteria: Ambry Variant Classification Scheme 2023. Collection method: clinical testing. Allele origin: germline.
Comment: The p.A1608T variant (also known as c.4822G>A), located in coding exon 33 of the LRRK2 gene, results from a G to A substitution at nucleotide position 4822. The alanine at codon 1608 is replaced by threonine, an amino acid with similar properties. This amino acid position is conserved. In addition, the in silico prediction for this alteration is inconclusive. Based on the available evidence, the clinical significance of this variant remains unclear.